The following is an entry in ClinVar:

NM_000193.4(SHH):c.335C>G (p.Ser112Trp)

Gene: SHH (sonic hedgehog signaling molecule; minus strand). Cytogenetic location: 7q36.3.
Variant type: single nucleotide variant.
Coding change: c.335C>G on transcript NM_000193.4 (MANE Select); coding-DNA position 335, C replaced by G.
Protein change: p.Ser112Trp; replaces serine 112 with tryptophan.
Molecular consequence: missense variant. On other transcripts: non-coding transcript variant (2).
Genome position (GRCh38, 1-based): chr7:155,806,523, G>C on the plus strand (C>G on the coding strand, the complement: SHH is on the minus strand). VCF-style: chr7-155806523-G-C. GRCh37 (hg19) VCF-style: chr7-155599217-G-C.
Other names: c.74C>G, p.Ser25Trp (NM_001310462.2); short protein forms S112W, S25W.
Identifiers: ClinVar variation 1310047 (VCV001310047.5), dbSNP rs2117138098, ClinGen allele CA370149379.

ClinVar aggregate classification (germline): Uncertain significance. Review status: criteria provided, multiple submitters, no conflicts (2 of 4 stars). 2 submissions from 2 submitters: Uncertain significance (2). Last evaluated 2023-01-18.

Conditions:
Holoprosencephaly 3 (HPE3). Identifiers: Orphanet 2162, MedGen C1840529, MONDO:0007733, OMIM 142945.

Submissions (2):

Labcorp Genetics (formerly Invitae), Labcorp
Classification: Uncertain significance for Holoprosencephaly 3. Last evaluated: 2023-01-18. Review status: criteria provided, single submitter. Criteria: Invitae Variant Classification Sherloc (09022015). Collection method: clinical testing. Allele origin: germline.
Comment: In summary, the available evidence is currently insufficient to determine the role of this variant in disease. Therefore, it has been classified as a Variant of Uncertain Significance. Advanced modeling of protein sequence and biophysical properties (such as structural, functional, and spatial information, amino acid conservation, physicochemical variation, residue mobility, and thermodynamic stability) performed at Invitae indicates that this missense variant is expected to disrupt SHH protein function. ClinVar contains an entry for this variant (Variation ID: 1310047). This variant has not been reported in the literature in individuals affected with SHH-related conditions. This variant is not present in population databases (gnomAD no frequency). This sequence change replaces serine, which is neutral and polar, with tryptophan, which is neutral and slightly polar, at codon 112 of the SHH protein (p.Ser112Trp).

GeneDx
Classification: Uncertain significance. Last evaluated: 2019-10-31. Review status: criteria provided, single submitter. Criteria: GeneDx Variant Classification Process June 2021. Collection method: clinical testing. Allele origin: germline. Affected: yes.
Comment: Not observed in large population cohorts (Lek et al., 2016); In silico analysis, which includes protein predictors and evolutionary conservation, supports a deleterious effect; Has not been previously published as pathogenic or benign to our knowledge